The following is an entry in ClinVar:

NM_001458.5(FLNC):c.7594A>C (p.Asn2532His)

Genes: FLNC (filamin C; plus strand), FLNC-AS1 (FLNC antisense RNA 1; minus strand). Cytogenetic location: 7q32.1.
Variant type: single nucleotide variant.
Coding change: c.7594A>C on transcript NM_001458.5 (MANE Select); coding-DNA position 7594, A replaced by C.
Protein change: p.Asn2532His; replaces asparagine 2532 with histidine.
Molecular consequence: missense variant.
Genome position (GRCh38, 1-based): chr7:128,857,150, A>C. VCF-style: chr7-128857150-A-C. GRCh37 (hg19) VCF-style: chr7-128497204-A-C.
Other names: c.7495A>C, p.Asn2499His (NM_001127487.2); short protein forms N2499H, N2532H.
Identifiers: ClinVar variation 4812360 (VCV004812360.1).

ClinVar aggregate classification (germline): Uncertain significance (1 of 4 stars; one submission).

Conditions:
Myofibrillar myopathy 5. Also called: FILAMINOPATHY, AUTOSOMAL DOMINANT; Filaminopathy (type). Identifiers: Orphanet 171445, MedGen C1836050, MONDO:0012289, OMIM 609524.
Distal myopathy with posterior leg and anterior hand involvement. Also called: WILLIAMS DISTAL MYOPATHY. Identifiers: Orphanet 63273, MedGen C3279722, MONDO:0013550, OMIM 614065.
Hypertrophic cardiomyopathy 26. Also called: Cardiomyopathy, familial hypertrophic, 26. Identifiers: Orphanet 75249, MedGen C4310749, MONDO:0014883, OMIM 617047.

Submission:

Labcorp Genetics (formerly Invitae), Labcorp
Classification: Uncertain significance for Distal myopathy with posterior leg and anterior hand involvement; Myofibrillar myopathy 5; Hypertrophic cardiomyopathy 26. Last evaluated: 2025-03-05. Review status: criteria provided, single submitter. Criteria: Invitae Variant Classification Sherloc (09022015). Collection method: clinical testing. Allele origin: germline.
Comment: This sequence change replaces asparagine, which is neutral and polar, with histidine, which is basic and polar, at codon 2532 of the FLNC protein (p.Asn2532His). This variant is not present in population databases (gnomAD no frequency). This variant has not been reported in the literature in individuals affected with FLNC-related conditions. Invitae Evidence Modeling of protein sequence and biophysical properties (such as structural, functional, and spatial information, amino acid conservation, physicochemical variation, residue mobility, and thermodynamic stability) indicates that this missense variant is not expected to disrupt FLNC protein function with a negative predictive value of 95%. In summary, the available evidence is currently insufficient to determine the role of this variant in disease. Therefore, it has been classified as a Variant of Uncertain Significance.